The following is an entry in ClinVar:

NM_000059.4(BRCA2):c.7159G>A (p.Ala2387Thr)

Gene: BRCA2 (BRCA2 DNA repair associated; plus strand). Cytogenetic location: 13q13.1.
Variant type: single nucleotide variant.
Coding change: c.7159G>A on transcript NM_000059.4 (MANE Select); coding-DNA position 7159, G replaced by A.
Protein change: p.Ala2387Thr; replaces alanine 2387 with threonine.
Molecular consequence: missense variant.
Genome position (GRCh38, 1-based): chr13:32,355,012, G>A. VCF-style: chr13-32355012-G-A. GRCh37 (hg19) VCF-style: chr13-32929149-G-A.
Other names: short protein forms A2387T.
Identifiers: ClinVar variation 631226 (VCV000631226.5), dbSNP rs1566240897, ClinGen allele CA387739300.

ClinVar aggregate classification (germline): Uncertain significance (1 of 4 stars; one submission).

Conditions:
Hereditary cancer-predisposing syndrome. Also called: Tumor predisposition; Neoplastic Syndromes, Hereditary; Hereditary neoplastic syndrome; Hereditary Cancer Syndrome. Identifiers: Orphanet 140162, MedGen C0027672, MeSH D009386, MONDO:0015356.

Submission:

Color Diagnostics, LLC DBA Color Health
Classification: Uncertain significance for Hereditary cancer-predisposing syndrome. Last evaluated: 2023-12-05. Review status: criteria provided, single submitter. Criteria: ACMG Guidelines, 2015. Collection method: clinical testing. Allele origin: germline.
Comment: This missense variant replaces alanine with threonine at codon 2387 of the BRCA2 protein. Computational prediction suggests that this variant may not impact protein structure and function (internally defined REVEL score threshold <= 0.5, PMID: 27666373). To our knowledge, functional studies have not been reported for this variant. This variant has not been reported in individuals affected with BRCA2-related disorders in the literature. This variant has not been identified in the general population by the Genome Aggregation Database (gnomAD). The available evidence is insufficient to determine the role of this variant in disease conclusively. Therefore, this variant is classified as a Variant of Uncertain Significance.